The following is an entry in ClinVar:

NM_001080.3(ALDH5A1):c.727-18_733del

Gene: ALDH5A1 (aldehyde dehydrogenase 5 family member A1; plus strand). Cytogenetic location: 6p22.3.
Variant type: Deletion.
Coding change: c.727-18_733del on transcript NM_001080.3 (MANE Select); 18 bases into the intron before coding-DNA position 727 through coding-DNA position 733, 25 bases deleted (TGCTGTTTCTCTTTATAGCTTGCAA).
Molecular consequence: splice acceptor variant. On other transcripts: intron variant (1).
Genome position (GRCh38, 1-based): chr6:24,515,149-24,515,173, TGCTGTTTCTCTTTATAGCTTGCAA deleted. VCF-style (leftmost placement, unchanged base first): chr6-24515148-TTGCTGTTTCTCTTTATAGCTTGCAA-T. GRCh37 (hg19) VCF-style: chr6-24515376-TTGCTGTTTCTCTTTATAGCTTGCAA-T.
Other names: c.766-18_772del (NM_170740.1); c.727-5252_727-5228del (NM_001368954.1).
Identifiers: ClinVar variation 1995603 (VCV001995603.4), dbSNP rs2532854616, ClinGen allele CA2539807957.

ClinVar aggregate classification (germline): Likely pathogenic (1 of 4 stars; one submission).

Conditions:
Succinate-semialdehyde dehydrogenase deficiency (SSADHD). Also called: 4-HYDROXYBUTYRIC ACIDURIA; Succinic Semialdehyde Dehydrogenase Deficiency; GABA METABOLIC DEFECT; SSADH DEFICIENCY. Identifiers: Orphanet 22, MedGen C0268631, MONDO:0010083, OMIM 271980.

Submission:

Labcorp Genetics (formerly Invitae), Labcorp
Classification: Likely pathogenic for Succinate-semialdehyde dehydrogenase deficiency. Last evaluated: 2025-11-03. Review status: criteria provided, single submitter. Criteria: Invitae Variant Classification Sherloc (09022015). Collection method: clinical testing. Allele origin: germline.
Comment: This variant results in the deletion of part of exon 5 (c.727-18_733del) of the ALDH5A1 gene. It is expected to disrupt RNA splicing. Variants that disrupt the donor or acceptor splice site typically lead to a loss of protein function (PMID: 16199547), and loss-of-function variants in ALDH5A1 are known to be pathogenic (PMID: 14635103). This variant is not present in population databases (gnomAD no frequency). This variant has not been reported in the literature in individuals affected with ALDH5A1-related conditions. ClinVar contains an entry for this variant (Variation ID: 1995603). In summary, the currently available evidence indicates that the variant is pathogenic, but additional data are needed to prove that conclusively. Therefore, this variant has been classified as Likely Pathogenic.

Literature cited by the submitters: PubMed 16199547; PubMed 14635103.